The following is an entry in ClinVar:

ClinVar aggregate classification (germline): Likely benign. Review status: criteria provided, multiple submitters, no conflicts (2 of 4 stars). 5 submissions from 5 submitters: Likely benign (4). 1 of the submissions does not count toward it. Last evaluated 2026-01-26.

Conditions:
MYO7A-related disorder. Also called: MYO7A-related disorders.

Allele frequency attached by ClinVar (database versions not stated): ExAC 0.00003; gnomAD exomes 0.00006 and 0.00015; TOPMed 0.00007; gnomAD 0.00008 and 0.00009.
gnomAD v4.1: 232 of 1,613,478 alleles (0.014%); highest among the groups gnomAD compares: Non-Finnish European, 0.018%; no homozygotes.

Submissions (5):

Labcorp Genetics (formerly Invitae), Labcorp
Classification: Likely benign. Last evaluated: 2026-01-26. Review status: criteria provided, single submitter. Criteria: Invitae Variant Classification Sherloc (09022015). Collection method: clinical testing. Allele origin: germline.

Blueprint Genetics
Classification: Likely benign. Last evaluated: 2023-09-13. Review status: criteria provided, single submitter. Criteria: ACMG Guidelines, 2015. Collection method: clinical testing. Allele origin: germline.

GeneDx
Classification: Likely benign. Last evaluated: 2021-03-25. Review status: criteria provided, single submitter. Criteria: GeneDx Variant Classification Process June 2021. Collection method: clinical testing. Allele origin: germline. Affected: yes.

Laboratory for Molecular Medicine, Mass General Brigham Personalized Medicine
Classification: Likely benign. Last evaluated: 2014-10-30. Review status: criteria provided, single submitter. Criteria: LMM Criteria. Collection method: clinical testing. Allele origin: germline. Observed: 1 variant allele.
Comment: Lys697Lys in exon 17 of MYO7A: This variant is not expected to have clinical sig nificance because it does not alter an amino acid residue and is not located wit hin the splice consensus sequence.

PreventionGenetics, part of Exact Sciences
Classification: Likely benign for MYO7A-related condition. Last evaluated: 2024-08-23. Review status: no assertion criteria provided. Collection method: clinical testing. Allele origin: germline. Not counted in ClinVar's aggregate classification.
Comment: This variant is classified as likely benign based on ACMG/AMP sequence variant interpretation guidelines (Richards et al. 2015 PMID: 25741868, with internal and published modifications).

NM_000260.4(MYO7A):c.2091G>A (p.Lys697=)

Gene: MYO7A (myosin VIIA; plus strand). Cytogenetic location: 11q13.5.
Variant type: single nucleotide variant.
Coding change: c.2091G>A on transcript NM_000260.4 (MANE Select); coding-DNA position 2091, G replaced by A.
Protein change: p.Lys697=; no amino-acid change (lysine 697 retained).
Molecular consequence: synonymous variant.
Genome position (GRCh38, 1-based): chr11:77,174,911, G>A. VCF-style: chr11-77174911-G-A. GRCh37 (hg19) VCF-style: chr11-76885957-G-A.
Other names: c.2091G>A, p.Lys697= (NM_001127180.2); c.2058G>A, p.Lys686= (NM_001369365.1).
Identifiers: ClinVar variation 164677 (VCV000164677.19), dbSNP rs768972429, ClinGen allele CA177378.